The following is an entry in ClinVar:

NM_130837.3(OPA1):c.2950_2952delinsTTC (p.Thr984Phe)

Gene: OPA1 (OPA1 mitochondrial dynamin like GTPase; plus strand). Cytogenetic location: 3q29.
Variant type: Indel.
Coding change: c.2950_2952delinsTTC on transcript NM_130837.3 (MANE Select); coding-DNA positions 2950 to 2952, ACT replaced by TTC.
Protein change: p.Thr984Phe; replaces threonine 984 with phenylalanine.
Molecular consequence: missense variant.
Genome position (GRCh38, 1-based): chr3:193,667,247-193,667,249, ACT replaced by TTC. VCF-style: chr3-193667247-ACT-TTC. GRCh37 (hg19) VCF-style: chr3-193385036-ACT-TTC.
Other names: c.2416_2418delinsTTC, p.Thr806Phe (NM_001354663.2); c.2413_2415delinsTTC, p.Thr805Phe (NM_001354664.2); c.2785_2787delACTinsTTC, p.Thr929Phe (NM_015560.2); c.2785_2787delinsTTC, p.Thr929Phe (NM_015560.3); c.2677_2679delinsTTC, p.Thr893Phe (NM_130831.3); c.2731_2733delinsTTC, p.Thr911Phe (NM_130832.3); c.2788_2790delinsTTC, p.Thr930Phe (NM_130833.3); c.2839_2841delinsTTC, p.Thr947Phe (NM_130834.3); and 2 more; short protein forms T805F, T806F, T893F, T911F, T929F, T930F, T947F, T948F.
Identifiers: ClinVar variation 4278658 (VCV004278658.1).

ClinVar aggregate classification (germline): Uncertain significance (1 of 4 stars; one submission).

Submission:

GeneDx
Classification: Uncertain significance. Last evaluated: 2025-03-30. Review status: criteria provided, single submitter. Criteria: GeneDx Variant Classification Process June 2021. Collection method: clinical testing. Allele origin: germline. Affected: yes.
Comment: Not observed at significant frequency in large population cohorts (gnomAD); In silico analysis supports a deleterious effect on protein structure/function; Has not been previously published as pathogenic or benign to our knowledge